The following is an entry in ClinVar:

ClinVar aggregate classification (germline): Benign (1 of 4 stars; one submission).

Allele frequency attached by ClinVar (database versions not stated): 1000 Genomes Project 30x 0.31309; 1000 Genomes Project 0.31569; gnomAD 0.39308; TOPMed 0.39491; ExAC 0.39764; ESP Exome Variant Server 0.41196; gnomAD exomes 0.43910.
gnomAD v4.1: 700,743 of 1,613,506 alleles (43%); highest among the groups gnomAD compares: Middle Eastern, 49%; 156,564 homozygotes.

Submission:

Unidad de Genómica Garrahan, Hospital de Pediatría Garrahan
Classification: Benign. Last evaluated: 2024-01-24. Review status: criteria provided, single submitter. Criteria: ACMG Guidelines, 2015. Collection method: clinical testing. Allele origin: germline. Affected: no. Observed: 57 variant alleles.
Comment: This variant is classified as Benign based on local population frequency. This variant was detected in 65% of patients studied by a panel of primary immunodeficiencies. Number of patients: 57. Only high quality variants are reported.

NM_006850.3(IL24):c.370T>C (p.Tyr124His)

Gene: IL24 (interleukin 24; plus strand). Cytogenetic location: 1q32.1.
Variant type: single nucleotide variant.
Coding change: c.370T>C on transcript NM_006850.3 (MANE Select); coding-DNA position 370, T replaced by C.
Protein change: p.Tyr124His; replaces tyrosine 124 with histidine.
Molecular consequence: missense variant. On other transcripts: intron variant (2).
Genome position (GRCh38, 1-based): chr1:206,901,560, T>C. VCF-style: chr1-206901560-T-C. GRCh37 (hg19) VCF-style: chr1-207074905-T-C.
Other names: c.373T>C, p.Tyr125His (NM_001185156.1); c.307-438T>C (NM_001185157.1); c.108-438T>C (NM_001185158.1); short protein forms Y124H, Y125H.
Identifiers: ClinVar variation 2688384 (VCV002688384.2), dbSNP rs1150258, ClinGen allele CA1364458.